The following is an entry in ClinVar:

NM_000214.3(JAG1):c.461dup (p.Ala155fs)

Gene: JAG1 (jagged canonical Notch ligand 1; minus strand). Cytogenetic location: 20p12.2.
Variant type: Duplication.
Coding change: c.461dup on transcript NM_000214.3 (MANE Select); coding-DNA position 461, one base duplicated (A; older notation c.461dupA).
Protein change: p.Ala155fs; shifts the reading frame from alanine 155.
Molecular consequence: frameshift variant.
Genome position (GRCh38, 1-based): chr20:10,658,701, T duplicated on the plus strand (A on the coding strand, the reverse complement: JAG1 is on the minus strand); the first of 4 consecutive T bases (chr20:10,658,701-10,658,704); duplicating any one gives the same sequence. VCF-style (leftmost placement, unchanged base first): chr20-10658700-C-CT. GRCh37 (hg19) VCF-style: chr20-10639348-C-CT.
Other names: short protein forms A155fs.
Identifiers: ClinVar variation 4997453 (VCV004997453.1).
Genomic context (GRCh38, chr20:10,658,700, plus strand): 5'-CGTGTTCTGCTTCAGCGTCTGCCACTGCCGGCTGGGGTTGATCATGCCCGAGTGAGAAGC[C>CT]TTTTCAATAATACTGTCAGGTTCTAGAGACAAAGTGATGAATCATGTTAATATTCACATT-3'

ClinVar aggregate classification (germline): Pathogenic (1 of 4 stars; one submission).

Conditions:
JAG1-related disorder. Also called: JAG1-related condition; JAG1-related disorders.

Submission:

PreventionGenetics, part of Exact Sciences
Classification: Pathogenic for JAG1-related condition. Last evaluated: 2025-04-23. Review status: criteria provided, single submitter. Criteria: ACMG Guidelines, 2015. Collection method: clinical testing. Allele origin: germline.
Comment: The JAG1 c.461dupA variant is predicted to result in a frameshift and premature protein termination (p.Ala155Glyfs*26). To our knowledge, this variant has not been reported in the literature or in a large population database (gnomAD), indicating this variant is rare. Frameshift variants in JAG1 are expected to be pathogenic. This variant is interpreted as pathogenic.